The following is an entry in ClinVar:

ClinVar aggregate classification (germline): Uncertain significance (1 of 4 stars; one submission).

Conditions:
Charcot-Marie-Tooth disease type 2. Also called: Charcot-Marie-Tooth type 2. Identifiers: Orphanet 64746, MedGen C0270914, MONDO:0018993.

gnomAD v4.1: 1 of 1,613,744 alleles (0.000062%); highest among the groups gnomAD compares: Non-Finnish European, 0.000085%; no homozygotes.

Submission:

Labcorp Genetics (formerly Invitae), Labcorp
Classification: Uncertain significance for Charcot-Marie-Tooth disease type 2. Last evaluated: 2024-06-13. Review status: criteria provided, single submitter. Criteria: Invitae Variant Classification Sherloc (09022015). Collection method: clinical testing. Allele origin: germline.
Comment: This sequence change replaces glycine, which is neutral and non-polar, with glutamic acid, which is acidic and polar, at codon 586 of the AARS protein (p.Gly586Glu). This variant is not present in population databases (gnomAD no frequency). This variant has not been reported in the literature in individuals affected with AARS-related conditions. Advanced modeling of protein sequence and biophysical properties (such as structural, functional, and spatial information, amino acid conservation, physicochemical variation, residue mobility, and thermodynamic stability) performed at Invitae indicates that this missense variant is not expected to disrupt AARS protein function with a negative predictive value of 80%. In summary, the available evidence is currently insufficient to determine the role of this variant in disease. Therefore, it has been classified as a Variant of Uncertain Significance.

NM_001605.3(AARS1):c.1757G>A (p.Gly586Glu)

Gene: AARS1 (alanyl-tRNA synthetase 1; minus strand). Cytogenetic location: 16q22.1.
Variant type: single nucleotide variant.
Coding change: c.1757G>A on transcript NM_001605.3 (MANE Select); coding-DNA position 1757, G replaced by A.
Protein change: p.Gly586Glu; replaces glycine 586 with glutamic acid.
Molecular consequence: missense variant.
Genome position (GRCh38, 1-based): chr16:70,261,072, C>T on the plus strand (G>A on the coding strand, the complement: AARS1 is on the minus strand). VCF-style: chr16-70261072-C-T. GRCh37 (hg19) VCF-style: chr16-70294975-C-T.
Other names: short protein forms G586E.
Identifiers: ClinVar variation 3656626 (VCV003656626.2).